The following is an entry in ClinVar:

ClinVar aggregate classification (germline): Likely benign (1 of 4 stars; one submission).

Submission:

CeGaT Center for Human Genetics Tuebingen
Classification: Likely benign. Last evaluated: 2023-10-01. Review status: criteria provided, single submitter. Criteria: CeGaT Center For Human Genetics Tuebingen Variant Classification Criteria Version 2. Collection method: clinical testing. Allele origin: germline. Affected: yes. Observed: 1 variant allele.
Comment: PSME4: PM2:Supporting, BP4, BP7

NM_014614.3(PSME4):c.2400T>C (p.Asp800=)

Gene: PSME4 (proteasome activator subunit 4; minus strand). Cytogenetic location: 2p16.2.
Variant type: single nucleotide variant.
Coding change: c.2400T>C on transcript NM_014614.3 (MANE Select); coding-DNA position 2400, T replaced by C.
Protein change: p.Asp800=; no amino-acid change (aspartic acid 800 retained).
Molecular consequence: synonymous variant.
Genome position (GRCh38, 1-based): chr2:53,920,213, A>G on the plus strand (T>C on the coding strand, the complement: PSME4 is on the minus strand). VCF-style: chr2-53920213-A-G. GRCh37 (hg19) VCF-style: chr2-54147350-A-G.
Identifiers: ClinVar variation 2650913 (VCV002650913.24), dbSNP rs2528347916, ClinGen allele CA425894329.